The following is an entry in ClinVar:

NM_014391.3(ANKRD1):c.820T>C (p.Tyr274His)

Gene: ANKRD1 (ankyrin repeat domain 1; minus strand). Cytogenetic location: 10q23.31.
Variant type: single nucleotide variant.
Coding change: c.820T>C on transcript NM_014391.3 (MANE Select); coding-DNA position 820, T replaced by C.
Protein change: p.Tyr274His; replaces tyrosine 274 with histidine.
Molecular consequence: missense variant.
Genome position (GRCh38, 1-based): chr10:90,915,572, A>G on the plus strand (T>C on the coding strand, the complement: ANKRD1 is on the minus strand). VCF-style: chr10-90915572-A-G. GRCh37 (hg19) VCF-style: chr10-92675329-A-G.
Other names: short protein forms Y274H.
Identifiers: ClinVar variation 180276 (VCV000180276.21), dbSNP rs377074932, ClinGen allele CA346188.

ClinVar aggregate classification (germline): Conflicting classifications of pathogenicity. Review status: criteria provided, conflicting classifications (1 of 4 stars). 5 submissions from 5 submitters: Uncertain significance (3); Likely benign (2). Last evaluated 2025-08-29.

Conditions:
Cardiovascular phenotype. Identifiers: MedGen CN230736.
ANKRD1-related dilated cardiomyopathy. Identifiers: MedGen CN119551.

Allele frequency attached by ClinVar (database versions not stated): ExAC 0.00003; TOPMed 0.00003; gnomAD 0.00007; ESP Exome Variant Server 0.00008; gnomAD exomes 0.00010.
gnomAD v4.1: 208 of 1,613,968 alleles (0.013%); highest among the groups gnomAD compares: Non-Finnish European, 0.014%; 1 homozygote.

Submissions (5):

Labcorp Genetics (formerly Invitae), Labcorp
Classification: Likely benign for ANKRD1-related dilated cardiomyopathy. Last evaluated: 2025-08-29. Review status: criteria provided, single submitter. Criteria: Invitae Variant Classification Sherloc (09022015). Collection method: clinical testing. Allele origin: germline.

Women's Health and Genetics/Laboratory Corporation of America, LabCorp
Classification: Likely benign. Last evaluated: 2025-06-27. Review status: criteria provided, single submitter. Criteria: LabCorp Variant Classification Summary - May 2015. Collection method: clinical testing. Allele origin: germline.
Comment: Variant summary: ANKRD1 c.820T>C (p.Tyr274His) results in a conservative amino acid change in the encoded protein sequence. Algorithms developed to predict the effect of missense changes on protein structure and function are either unavailable or do not agree on the potential impact of this missense change. The variant allele was found at a frequency of 0.00013 in 1613968 control chromosomes in the gnomAD database, including 1 homozygotes. The observed variant frequency is approximately 5.15 fold of the estimated maximal expected allele frequency for a pathogenic variant in ANKRD1 causing Cardiomyopathy phenotype (2.5e-05). To our knowledge, no occurrence of c.820T>C in individuals affected with Cardiomyopathy and no experimental evidence demonstrating its impact on protein function have been reported. ClinVar contains an entry for this variant (Variation ID: 180276). Based on the evidence outlined above, the variant was classified as likely benign.

GeneDx
Classification: Uncertain significance. Last evaluated: 2023-12-13. Review status: criteria provided, single submitter. Criteria: GeneDx Variant Classification Process June 2021. Collection method: clinical testing. Allele origin: germline. Affected: yes.
Comment: Has not been previously published as pathogenic or benign to our knowledge; In silico analysis supports that this missense variant does not alter protein structure/function

Blueprint Genetics
Classification: Uncertain significance. Last evaluated: 2023-07-17. Review status: criteria provided, single submitter. Criteria: ACMG Guidelines, 2015. Collection method: clinical testing. Allele origin: germline.

Ambry Genetics
Classification: Uncertain significance for Cardiovascular phenotype. Last evaluated: 2023-06-12. Review status: criteria provided, single submitter. Criteria: Ambry Variant Classification Scheme 2023. Collection method: clinical testing. Allele origin: germline.
Comment: The p.Y274H variant (also known as c.820T>C), located in coding exon 8 of the ANKRD1 gene, results from a T to C substitution at nucleotide position 820. The tyrosine at codon 274 is replaced by histidine, an amino acid with similar properties. This amino acid position is not well conserved in available vertebrate species. In addition, this alteration is predicted to be tolerated by in silico analysis. The evidence for this gene-disease relationship is limited; therefore, the clinical significance of this alteration is unclear.